The following is an entry in ClinVar:

NR_023343.3(RNU4ATAC):n.111_119dup

Genes: CLASP1 (cytoplasmic linker associated protein 1; minus strand), CLASP1-AS1 (CLASP1 antisense RNA 1; plus strand), RNU4ATAC (RNA, U4atac small nuclear; plus strand). Cytogenetic location: 2q14.2.
Variant type: Duplication.
Molecular consequence: intron variant (on NM_001395891.1).
Genome position: GRCh38 VCF-style: chr2-121530987-T-TTTGGTGCAA. GRCh37 (hg19) VCF-style: chr2-122288563-T-TTTGGTGCAA.
Other names: c.196-671_196-663dup (NM_001142274.2, NM_015282.3, NM_001378003.1 and 5 more transcripts).
Identifiers: ClinVar variation 1962629 (VCV001962629.3), dbSNP rs1553615800, ClinGen allele CA536071241.

ClinVar aggregate classification (germline): Uncertain significance (1 of 4 stars; one submission).

Submission:

Labcorp Genetics (formerly Invitae), Labcorp
Classification: Uncertain significance. Last evaluated: 2023-10-13. Review status: criteria provided, single submitter. Criteria: Invitae Variant Classification Sherloc (09022015). Collection method: clinical testing. Allele origin: germline.
Comment: This variant occurs in the RNU4ATAC gene, which encodes an RNA molecule that does not result in a protein product. This variant is present in population databases (no rsID available, gnomAD 0.002%). This variant has not been reported in the literature in individuals affected with RNU4ATAC-related conditions. ClinVar contains an entry for this variant (Variation ID: 1962629). Experimental studies and prediction algorithms are not available or were not evaluated, and the functional significance of this variant is currently unknown. In summary, the available evidence is currently insufficient to determine the role of this variant in disease. Therefore, it has been classified as a Variant of Uncertain Significance.